The following is an entry in ClinVar:

ClinVar aggregate classification (germline): Pathogenic/Likely pathogenic. Review status: criteria provided, multiple submitters, no conflicts (2 of 4 stars). 2 submissions from 2 submitters: Pathogenic (1); Likely pathogenic (1). Last evaluated 2023-07-31.

Conditions:
Cerebellar dysfunction with variable cognitive and behavioral abnormalities (CECBA). Also called: Nonprogressive cerebellar atxia with intellectual disability. Identifiers: Orphanet 314647, MedGen C3553661, MONDO:0013886, OMIM 614756.

Allele frequency attached by ClinVar (database versions not stated): gnomAD exomes below 0.00001.
gnomAD v4.1: 1 of 1,613,994 alleles (0.000062%); highest among the groups gnomAD compares: Admixed American, 0.0017%; no homozygotes.

Submissions (2):

GeneDx
Classification: Pathogenic. Last evaluated: 2023-07-31. Review status: criteria provided, single submitter. Criteria: GeneDx Variant Classification Process June 2021. Collection method: clinical testing. Allele origin: germline. Affected: yes.
Comment: Nonsense variant predicted to result in protein truncation or nonsense mediated decay in a gene for which loss of function is a known mechanism of disease; Has not been previously published as pathogenic or benign to our knowledge

Genetics Laboratory, UDIAT-Centre Diagnòstic, Hospital Universitari Parc Tauli
Classification: Likely pathogenic for Cerebellar dysfunction with variable cognitive and behavioral abnormalities. Last evaluated: 2022-10-04. Review status: criteria provided, single submitter. Criteria: Parc Tauli Hospital Assertion Criteria 2021. Collection method: clinical testing. Allele origin: unknown. Inheritance: Autosomal dominant inheritance. Affected: yes.
Comment: PVS1;PM2_supporting

NM_015215.4(CAMTA1):c.4231C>T (p.Arg1411Ter)

Gene: CAMTA1 (calmodulin binding transcription activator 1; plus strand). Cytogenetic location: 1p36.23.
Variant type: single nucleotide variant.
Coding change: c.4231C>T on transcript NM_015215.4 (MANE Select); coding-DNA position 4231, C replaced by T.
Protein change: p.Arg1411Ter; replaces arginine 1411 with a stop codon.
Molecular consequence: nonsense.
Genome position (GRCh38, 1-based): chr1:7,744,883, C>T. VCF-style: chr1-7744883-C-T. GRCh37 (hg19) VCF-style: chr1-7804943-C-T.
Other names: c.4141C>T, p.Arg1381Ter (NM_001349608.2); c.3892C>T, p.Arg1298Ter (NM_001349609.2, NM_001349610.2); c.3802C>T, p.Arg1268Ter (NM_001349612.2); c.1360C>T, p.Arg454Ter (NM_001349613.1); c.1303C>T, p.Arg435Ter (NM_001349614.1, NM_001349615.2, NM_001349616.2 and 2 more transcripts); c.964C>T, p.Arg322Ter (NM_001349619.2, NM_001349620.1, NM_001349621.1 and 5 more transcripts); short protein forms R1411*, R322*, R1298*, R1268*, R435*, R1381*, R454*.
Identifiers: ClinVar variation 280426 (VCV000280426.5), dbSNP rs886041635, ClinGen allele CA10602792.
Genomic context (GRCh38, chr1:7,744,883, plus strand): 5'-TTCTGACTTCAGGTGAACATGATGACCTTGGCAGAACACATTATTGAAGCCACACCTGAC[C>T]GAATCAAGCAGGAGAATTTTGTGCCCATGGAGTCCTCAGGATTGGAAAGAACAGACCCTG-3'